The following is an entry in ClinVar:

ClinVar aggregate classification (germline): Uncertain significance (1 of 4 stars; one submission).

Submission:

GeneDx
Classification: Uncertain significance. Last evaluated: 2024-12-27. Review status: criteria provided, single submitter. Criteria: GeneDx Variant Classification Process June 2021. Collection method: clinical testing. Allele origin: germline. Affected: yes.
Comment: Not observed at significant frequency in large population cohorts (gnomAD); Canonical splice site variant with an unclear effect on protein function; Has not been previously published as pathogenic or benign to our knowledge

NM_001286577.2(C2CD3):c.5882-332A>T

Gene: C2CD3 (C2 domain containing 3 centriole elongation regulator; minus strand). Cytogenetic location: 11q13.4.
Variant type: single nucleotide variant.
Coding change: c.5882-332A>T on transcript NM_001286577.2 (MANE Select); 332 bases into the intron before coding-DNA position 5882, A replaced by T.
Molecular consequence: intron variant. On other transcripts: splice acceptor variant (1).
Genome position (GRCh38, 1-based): chr11:74,034,610, T>A on the plus strand (A>T on the coding strand, the complement: C2CD3 is on the minus strand). VCF-style: chr11-74034610-T-A. GRCh37 (hg19) VCF-style: chr11-73745655-T-A.
Other names: c.5882-2A>T (NM_015531.6).
Identifiers: ClinVar variation 3907978 (VCV003907978.1).